The following is an entry in ClinVar:

ClinVar aggregate classification (germline): Uncertain significance (1 of 4 stars; one submission).

Conditions:
Hereditary nonpolyposis colorectal neoplasms. Identifiers: MedGen C0009405, MeSH D003123.

Submission:

Labcorp Genetics (formerly Invitae), Labcorp
Classification: Uncertain significance for Hereditary nonpolyposis colorectal neoplasms. Last evaluated: 2021-04-08. Review status: criteria provided, single submitter. Criteria: Invitae Variant Classification Sherloc (09022015). Collection method: clinical testing. Allele origin: germline.
Comment: This variant is not present in population databases (ExAC no frequency). In summary, the available evidence is currently insufficient to determine the role of this variant in disease. Therefore, it has been classified as a Variant of Uncertain Significance. Advanced modeling of protein sequence and biophysical properties (such as structural, functional, and spatial information, amino acid conservation, physicochemical variation, residue mobility, and thermodynamic stability) performed at Invitae indicates that this missense variant is expected to disrupt MSH6 protein function. This variant has not been reported in the literature in individuals with MSH6-related conditions. This sequence change replaces phenylalanine with valine at codon 858 of the MSH6 protein (p.Phe858Val). The phenylalanine residue is highly conserved and there is a small physicochemical difference between phenylalanine and valine.

NM_000179.3(MSH6):c.2572T>G (p.Phe858Val)

Gene: MSH6 (mutS homolog 6; plus strand). Cytogenetic location: 2p16.3.
Variant type: single nucleotide variant.
Coding change: c.2572T>G on transcript NM_000179.3 (MANE Select); coding-DNA position 2572, T replaced by G.
Protein change: p.Phe858Val; replaces phenylalanine 858 with valine.
Molecular consequence: missense variant.
Genome position (GRCh38, 1-based): chr2:47,800,555, T>G. VCF-style: chr2-47800555-T-G. GRCh37 (hg19) VCF-style: chr2-48027694-T-G.
Other names: c.2182T>G, p.Phe728Val (NM_001281492.2); c.1666T>G, p.Phe556Val (NM_001281493.2, NM_001281494.2); short protein forms F556V, F728V, F858V.
Identifiers: ClinVar variation 1495847 (VCV001495847.8), dbSNP rs2104413316, ClinGen allele CA346754740.